The following is an entry in ClinVar:

ClinVar aggregate classification (germline): Benign/Likely benign. Review status: criteria provided, multiple submitters, no conflicts (2 of 4 stars). 2 submissions from 2 submitters: Benign (1); Likely benign (1). Last evaluated 2018-08-19.

Allele frequency attached by ClinVar (database versions not stated): TOPMed 0.01902; gnomAD 0.02297; 1000 Genomes Project 0.00899; 1000 Genomes Project 30x 0.00953.
gnomAD v4.1: 2,970 of 152,342 alleles (1.9%); highest among the groups gnomAD compares: Non-Finnish European, 3.2%; 41 homozygotes.

Submissions (2):

ARUP Laboratories, Molecular Genetics and Genomics, ARUP Laboratories
Classification: Benign. Last evaluated: 2018-08-19. Review status: criteria provided, single submitter. Criteria: ARUP Molecular Germline Variant Investigation Process. Collection method: clinical testing. Allele origin: germline.

GeneDx
Classification: Likely benign. Last evaluated: 2018-06-14. Review status: criteria provided, single submitter. Criteria: GeneDx Variant Classification (06012015). Collection method: clinical testing. Allele origin: germline. Affected: yes.
Comment: This variant is considered likely benign or benign based on one or more of the following criteria: it is a conservative change, it occurs at a poorly conserved position in the protein, it is predicted to be benign by multiple in silico algorithms, and/or has population frequency not consistent with disease.

NM_001999.4(FBN2):c.2555-184T>G

Gene: FBN2 (fibrillin 2; minus strand). Cytogenetic location: 5q23.3.
Variant type: single nucleotide variant.
Coding change: c.2555-184T>G on transcript NM_001999.4 (MANE Select); 184 bases into the intron before coding-DNA position 2555, T replaced by G.
Molecular consequence: intron variant.
Genome position (GRCh38, 1-based): chr5:128,357,579, A>C on the plus strand (T>G on the coding strand, the complement: FBN2 is on the minus strand). VCF-style: chr5-128357579-A-C. GRCh37 (hg19) VCF-style: chr5-127693271-A-C.
Identifiers: ClinVar variation 439721 (VCV000439721.9), dbSNP rs62375019, ClinGen allele CA127027110.
Genomic context (GRCh38, chr5:128,357,579, plus strand): 5'-TATGAAGCATAAAGTGAATGGGGAATGGAGACATGCATTTTACATCGTGGATACACATCT[A>C]TAGGACTGGGAACTCAGTAGGACCACAGTGATCAGCCTATTGGGAAAGAGTTCAGTTACA-3'